The following is an entry in ClinVar:

NM_001102564.3(IFT43):c.605C>T (p.Ala202Val)

Gene: IFT43 (intraflagellar transport 43; plus strand). Cytogenetic location: 14q24.3.
Variant type: single nucleotide variant.
Coding change: c.605C>T on transcript NM_001102564.3 (MANE Select); coding-DNA position 605, C replaced by T.
Protein change: p.Ala202Val; replaces alanine 202 with valine.
Molecular consequence: missense variant. On other transcripts: non-coding transcript variant (2).
Genome position (GRCh38, 1-based): chr14:76,083,555, C>T. VCF-style: chr14-76083555-C-T. GRCh37 (hg19) VCF-style: chr14-76549898-C-T.
Other names: c.620C>T, p.Ala207Val (NM_052873.3); short protein forms A202V, A207V.
Identifiers: ClinVar variation 1022483 (VCV001022483.7), dbSNP rs764790125, ClinGen allele CA7280966.

ClinVar aggregate classification (germline): Uncertain significance. Review status: criteria provided, multiple submitters, no conflicts (2 of 4 stars). 2 submissions from 2 submitters: Uncertain significance (2). Last evaluated 2022-03-07.

Conditions:
Short-rib thoracic dysplasia 18 with polydactyly. Identifiers: MedGen C4693420, MONDO:0036483, OMIM 617866.
Retinitis pigmentosa 81 (RP81). Identifiers: MedGen C4693443, MONDO:0036482, OMIM 617871.
Cranioectodermal dysplasia 3 (CED3). Identifiers: Orphanet 1515, MedGen C3279807, MONDO:0013573, OMIM 614099.

Allele frequency attached by ClinVar (database versions not stated): ExAC 0.00001; gnomAD exomes 0.00001 and 0.00002.
gnomAD v4.1: 28 of 1,613,900 alleles (0.0017%); highest among the groups gnomAD compares: East Asian, 0.0045%; no homozygotes.

Submissions (2):

Fulgent Genetics
Classification: Uncertain significance for Cranioectodermal dysplasia 3; Short-rib thoracic dysplasia 18 with polydactyly; Retinitis pigmentosa 81. Last evaluated: 2022-03-07. Review status: criteria provided, single submitter. Criteria: ACMG Guidelines, 2015. Collection method: clinical testing. Allele origin: unknown.

Labcorp Genetics (formerly Invitae), Labcorp
Classification: Uncertain significance. Last evaluated: 2022-01-08. Review status: criteria provided, single submitter. Criteria: Invitae Variant Classification Sherloc (09022015). Collection method: clinical testing. Allele origin: germline.
Comment: In summary, the available evidence is currently insufficient to determine the role of this variant in disease. Therefore, it has been classified as a Variant of Uncertain Significance. Algorithms developed to predict the effect of missense changes on protein structure and function output the following: SIFT: "Tolerated"; PolyPhen-2: "Benign"; Align-GVGD: "Class C0". The valine amino acid residue is found in multiple mammalian species, which suggests that this missense change does not adversely affect protein function. ClinVar contains an entry for this variant (Variation ID: 1022483). This variant has not been reported in the literature in individuals affected with IFT43-related conditions. This variant is present in population databases (rs764790125, gnomAD 0.006%). This sequence change replaces alanine, which is neutral and non-polar, with valine, which is neutral and non-polar, at codon 207 of the IFT43 protein (p.Ala207Val).